The following is an entry in ClinVar:

NM_001852.4(COL9A2):c.2018C>T (p.Ser673Leu)

Gene: COL9A2 (collagen type IX alpha 2 chain; minus strand). Cytogenetic location: 1p34.2.
Variant type: single nucleotide variant.
Coding change: c.2018C>T on transcript NM_001852.4 (MANE Select); coding-DNA position 2018, C replaced by T.
Protein change: p.Ser673Leu; replaces serine 673 with leucine.
Molecular consequence: missense variant.
Genome position (GRCh38, 1-based): chr1:40,301,234, G>A on the plus strand (C>T on the coding strand, the complement: COL9A2 is on the minus strand). VCF-style: chr1-40301234-G-A. GRCh37 (hg19) VCF-style: chr1-40766906-G-A.
Other names: short protein forms S673L.
Identifiers: ClinVar variation 2042604 (VCV002042604.4), dbSNP rs779524161, ClinGen allele CA791257.

ClinVar aggregate classification (germline): Uncertain significance (1 of 4 stars; one submission).

Allele frequency attached by ClinVar (database versions not stated): gnomAD 0.00003; gnomAD exomes 0.00001; TOPMed 0.00004; ExAC 0.00001.
gnomAD v4.1: 20 of 1,614,004 alleles (0.0012%); highest among the groups gnomAD compares: African/African-American, 0.0053%; no homozygotes.

Submission:

Labcorp Genetics (formerly Invitae), Labcorp
Classification: Uncertain significance. Last evaluated: 2025-07-08. Review status: criteria provided, single submitter. Criteria: Invitae Variant Classification Sherloc (09022015). Collection method: clinical testing. Allele origin: germline.
Comment: This sequence change replaces serine, which is neutral and polar, with leucine, which is neutral and non-polar, at codon 673 of the COL9A2 protein (p.Ser673Leu). This variant is present in population databases (rs779524161, gnomAD 0.008%). This variant has not been reported in the literature in individuals affected with COL9A2-related conditions. ClinVar contains an entry for this variant (Variation ID: 2042604). Invitae Evidence Modeling of protein sequence and biophysical properties (such as structural, functional, and spatial information, amino acid conservation, physicochemical variation, residue mobility, and thermodynamic stability) indicates that this missense variant is not expected to disrupt COL9A2 protein function with a negative predictive value of 95%. In summary, the available evidence is currently insufficient to determine the role of this variant in disease. Therefore, it has been classified as a Variant of Uncertain Significance.